The following is an entry in ClinVar:

NM_198391.3(FLRT3):c.1018G>T (p.Val340Phe)

Genes: FLRT3 (fibronectin leucine rich transmembrane protein 3; minus strand), MACROD2 (mono-ADP ribosylhydrolase 2; plus strand). Cytogenetic location: 20p12.1.
Variant type: single nucleotide variant.
Coding change: c.1018G>T on transcript NM_198391.3 (MANE Select); coding-DNA position 1018, G replaced by T.
Protein change: p.Val340Phe; replaces valine 340 with phenylalanine.
Molecular consequence: missense variant. On other transcripts: intron variant (3).
Genome position (GRCh38, 1-based): chr20:14,326,489, C>A on the plus strand (G>T on the coding strand, the complement: FLRT3 is on the minus strand). VCF-style: chr20-14326489-C-A. GRCh37 (hg19) VCF-style: chr20-14307135-C-A.
Other names: c.1018G>T, p.Val340Phe (NM_013281.4); c.272-166990C>A (NM_001351661.2, NM_001351663.2, NM_080676.6); short protein forms V340F.
Identifiers: ClinVar variation 2976939 (VCV002976939.3), dbSNP rs756352350, ClinGen allele CA9768960.

ClinVar aggregate classification (germline): Uncertain significance (1 of 4 stars; one submission).

Allele frequency attached by ClinVar (database versions not stated): ExAC 0.00001.
gnomAD v4.1: 4 of 1,613,882 alleles (0.00025%); highest among the groups gnomAD compares: African/African-American, 0.0027%; no homozygotes.

Submission:

Labcorp Genetics (formerly Invitae), Labcorp
Classification: Uncertain significance. Last evaluated: 2023-03-22. Review status: criteria provided, single submitter. Criteria: Invitae Variant Classification Sherloc (09022015). Collection method: clinical testing. Allele origin: germline.
Comment: Advanced modeling of protein sequence and biophysical properties (such as structural, functional, and spatial information, amino acid conservation, physicochemical variation, residue mobility, and thermodynamic stability) performed at Invitae indicates that this missense variant is not expected to disrupt FLRT3 protein function. This variant has not been reported in the literature in individuals affected with FLRT3-related conditions. This variant is present in population databases (rs756352350, gnomAD 0.003%). This sequence change replaces valine, which is neutral and non-polar, with phenylalanine, which is neutral and non-polar, at codon 340 of the FLRT3 protein (p.Val340Phe). In summary, the available evidence is currently insufficient to determine the role of this variant in disease. Therefore, it has been classified as a Variant of Uncertain Significance.